The following is an entry in ClinVar:

NM_001042492.3(NF1):c.1714G>T (p.Glu572Ter)

Gene: NF1 (neurofibromin 1; plus strand). Cytogenetic location: 17q11.2.
Variant type: single nucleotide variant.
Coding change: c.1714G>T on transcript NM_001042492.3 (MANE Select); coding-DNA position 1714, G replaced by T.
Protein change: p.Glu572Ter; replaces glutamic acid 572 with a stop codon.
Molecular consequence: nonsense.
Genome position (GRCh38, 1-based): chr17:31,221,922, G>T. VCF-style: chr17-31221922-G-T. GRCh37 (hg19) VCF-style: chr17-29548940-G-T.
Other names: c.1714G>T, p.Glu572Ter (NM_000267.4, NM_001128147.3); short protein forms E572*.
Identifiers: ClinVar variation 1918164 (VCV001918164.6), dbSNP rs2144004838, ClinGen allele CA399002372.

ClinVar aggregate classification (germline): Pathogenic. Review status: criteria provided, multiple submitters, no conflicts (2 of 4 stars). 2 submissions from 2 submitters: Pathogenic (2). Last evaluated 2025-04-16.

Conditions:
Neurofibromatosis, type 1 (NF1). Also called: Peripheral type neurofibromatosis; Neurofibromatosis, type I; NEUROFIBROMATOSIS, TYPE I, SOMATIC; VON RECKLINGHAUSEN DISEASE. Identifiers: Orphanet 636, MedGen C0027831, MONDO:0018975, OMIM 162200. Disease mechanism: loss of function.

Submissions (2):

GeneDx
Classification: Pathogenic. Last evaluated: 2025-04-16. Review status: criteria provided, single submitter. Criteria: GeneDx Variant Classification Process June 2021. Collection method: clinical testing. Allele origin: germline. Affected: yes.
Comment: Nonsense variant predicted to result in protein truncation or nonsense mediated decay in a gene for which loss of function is a known mechanism of disease; Not observed at significant frequency in large population cohorts (gnomAD); This variant is associated with the following publications: (PMID: 29957862, 31717729)

Labcorp Genetics (formerly Invitae), Labcorp
Classification: Pathogenic for Neurofibromatosis, type 1. Last evaluated: 2022-06-29. Review status: criteria provided, single submitter. Criteria: Invitae Variant Classification Sherloc (09022015). Collection method: clinical testing. Allele origin: germline.
Comment: This sequence change creates a premature translational stop signal (p.Glu572*) in the NF1 gene. It is expected to result in an absent or disrupted protein product. Loss-of-function variants in NF1 are known to be pathogenic (PMID: 10712197, 23913538). For these reasons, this variant has been classified as Pathogenic. Algorithms developed to predict the effect of sequence changes on RNA splicing suggest that this variant may disrupt the consensus splice site. This premature translational stop signal has been observed in individual(s) with neurofibromatosis type 1 (NF1) (PMID: 31717729). This variant is not present in population databases (gnomAD no frequency).

Literature cited by the submitters: PubMed 10712197 (cited by Labcorp Genetics (formerly Invitae), Labcorp); PubMed 23913538 (cited by Labcorp Genetics (formerly Invitae), Labcorp); PubMed 31717729 (cited by Labcorp Genetics (formerly Invitae), Labcorp).